The following is an entry in ClinVar:

ClinVar aggregate classification (germline): Uncertain significance (1 of 4 stars; one submission).

Submission:

GeneDx
Classification: Uncertain significance. Last evaluated: 2025-08-19. Review status: criteria provided, single submitter. Criteria: GeneDx Variant Classification Process June 2021. Collection method: clinical testing. Allele origin: germline.
Comment: Not observed at significant frequency in large population cohorts (gnomAD); In-frame deletion of 2 amino acids in a non-repeat region; In silico analysis supports a deleterious effect on protein structure/function; Has not been previously published as pathogenic or benign to our knowledge.

NM_007126.5(VCP):c.1397_1402del (p.Glu466_Thr467del)

Gene: VCP (valosin containing protein; minus strand). Cytogenetic location: 9p13.3.
Variant type: Deletion.
Coding change: c.1397_1402del on transcript NM_007126.5 (MANE Select); coding-DNA positions 1397 to 1402, 6 bases deleted (AAACCG; older notation c.1397_1402delAAACCG).
Protein change: p.Glu466_Thr467del.
Molecular consequence: inframe deletion. On other transcripts: inframe indel (1).
Genome position (GRCh38, 1-based): chr9:35,060,881-35,060,886, CGGTTT deleted on the plus strand (AAACCG on the coding strand, the reverse complement: VCP is on the minus strand); deleting any 6 consecutive bases within chr9:35,060,881-35,060,887 gives the same sequence; the c. name uses the placement nearest the transcript's 3' end. VCF-style (leftmost placement, unchanged base first): chr9-35060880-ACGGTTT-A. GRCh37 (hg19) VCF-style: chr9-35060877-ACGGTTT-A.
Other names: c.1262_1267del, p.Glu421_Thr422del (NM_001354927.2, NM_001354928.2); c.1396_1401delGAAACC, p.Glu466_Thr467del (NM_007126.3).
Identifiers: ClinVar variation 1800588 (VCV001800588.2), dbSNP rs2490353031, ClinGen allele CA2580080439.